The following is an entry in ClinVar:

ClinVar aggregate classification (germline): Uncertain significance (1 of 4 stars; one submission).

Conditions:
Gastrointestinal stromal tumor. Also called: Gastrointestinal stromal tumor, somatic; Gastrointestinal stroma tumor. Identifiers: Orphanet 44890, MedGen C0238198, MeSH D046152, MONDO:0011719, OMIM 606764, HP:0100723.

Submission:

Labcorp Genetics (formerly Invitae), Labcorp
Classification: Uncertain significance for Gastrointestinal stromal tumor. Last evaluated: 2025-09-22. Review status: criteria provided, single submitter. Criteria: Invitae Variant Classification Sherloc (09022015). Collection method: clinical testing. Allele origin: germline.
Comment: This sequence change replaces threonine, which is neutral and polar, with alanine, which is neutral and non-polar, at codon 436 of the PDGFRA protein (p.Thr436Ala). This variant is not present in population databases (gnomAD no frequency). This variant has not been reported in the literature in individuals affected with PDGFRA-related conditions. Invitae Evidence Modeling of protein sequence and biophysical properties (such as structural, functional, and spatial information, amino acid conservation, physicochemical variation, residue mobility, and thermodynamic stability) indicates that this missense variant is not expected to disrupt PDGFRA protein function with a negative predictive value of 80%. In summary, the available evidence is currently insufficient to determine the role of this variant in disease. Therefore, it has been classified as a Variant of Uncertain Significance.

NM_006206.6(PDGFRA):c.1306A>G (p.Thr436Ala)

Gene: PDGFRA (platelet derived growth factor receptor alpha; plus strand). Cytogenetic location: 4q12.
Variant type: single nucleotide variant.
Coding change: c.1306A>G on transcript NM_006206.6 (MANE Select); coding-DNA position 1306, A replaced by G.
Protein change: p.Thr436Ala; replaces threonine 436 with alanine.
Molecular consequence: missense variant.
Genome position (GRCh38, 1-based): chr4:54,272,462, A>G. VCF-style: chr4-54272462-A-G. GRCh37 (hg19) VCF-style: chr4-55138629-A-G.
Other names: c.1306A>G, p.Thr436Ala (NM_001347827.2, NM_001347829.2); c.1381A>G, p.Thr461Ala (NM_001347828.2); c.1345A>G, p.Thr449Ala (NM_001347830.2); short protein forms T436A, T449A, T461A.
Identifiers: ClinVar variation 4741028 (VCV004741028.1).